The following is an entry in ClinVar:

NM_001111.5(ADAR):c.403A>G (p.Ile135Val)

Gene: ADAR (adenosine deaminase RNA specific; minus strand). Cytogenetic location: 1q21.3.
Variant type: single nucleotide variant.
Coding change: c.403A>G on transcript NM_001111.5 (MANE Select); coding-DNA position 403, A replaced by G.
Protein change: p.Ile135Val; replaces isoleucine 135 with valine.
Molecular consequence: missense variant. On other transcripts: 5 prime UTR variant (6).
Genome position (GRCh38, 1-based): chr1:154,602,239, T>C on the plus strand (A>G on the coding strand, the complement: ADAR is on the minus strand). VCF-style: chr1-154602239-T-C. GRCh37 (hg19) VCF-style: chr1-154574715-T-C.
Other names: c.-483A>G (NM_001025107.3, NM_001193495.2, NM_001365046.1 and 3 more transcripts); c.430A>G, p.Ile144Val (NM_001365045.1); c.403A>G, p.Ile135Val (NM_015840.4, NM_015841.4); short protein forms I144V, I135V.
Identifiers: ClinVar variation 1036390 (VCV001036390.8), dbSNP rs1697932885, ClinGen allele CA342603347.

ClinVar aggregate classification (germline): Uncertain significance (1 of 4 stars; one submission).

Conditions:
Symmetrical dyschromatosis of extremities (DSH). Also called: RETICULATE ACROPIGMENTATION OF DOHI; SYMMETRIC DYSCHROMATOSIS OF THE EXTREMITIES; DYSCHROMATOSIS SYMMETRICA HEREDITARIA 1; Dyschromatosis symmetrica hereditaria. Identifiers: Orphanet 41, MedGen C0406775, MONDO:0007483, OMIM 127400.
Aicardi-Goutieres syndrome 6 (AGS6). Identifiers: Orphanet 51, MedGen C3539013, MONDO:0014007, OMIM 615010.

Allele frequency attached by ClinVar (database versions not stated): gnomAD exomes below 0.00001.

Submission:

Labcorp Genetics (formerly Invitae), Labcorp
Classification: Uncertain significance for Aicardi-Goutieres syndrome 6; Symmetrical dyschromatosis of extremities. Last evaluated: 2021-07-09. Review status: criteria provided, single submitter. Criteria: Invitae Variant Classification Sherloc (09022015). Collection method: clinical testing. Allele origin: germline.
Comment: This sequence change replaces isoleucine with valine at codon 135 of the ADAR protein (p.Ile135Val). The isoleucine residue is moderately conserved and there is a small physicochemical difference between isoleucine and valine. This variant is not present in population databases (ExAC no frequency). This variant has not been reported in the literature in individuals with ADAR-related conditions. Algorithms developed to predict the effect of missense changes on protein structure and function (SIFT, PolyPhen-2, Align-GVGD) all suggest that this variant is likely to be tolerated, but these predictions have not been confirmed by published functional studies and their clinical significance is uncertain. In summary, the available evidence is currently insufficient to determine the role of this variant in disease. Therefore, it has been classified as a Variant of Uncertain Significance.